The following is an entry in ClinVar:

ClinVar aggregate classification (germline): Pathogenic. Review status: criteria provided, multiple submitters, no conflicts (2 of 4 stars). 2 submissions from 2 submitters: Pathogenic (2). Last evaluated 2025-01-31.

Conditions:
Hereditary nonpolyposis colorectal neoplasms. Identifiers: MedGen C0009405, MeSH D003123.
Hereditary cancer-predisposing syndrome. Also called: Hereditary Cancer Syndrome; Tumor predisposition; Hereditary neoplastic syndrome; Neoplastic Syndromes, Hereditary. Identifiers: Orphanet 140162, MedGen C0027672, MeSH D009386, MONDO:0015356.

Submissions (2):

Ambry Genetics
Classification: Pathogenic for Hereditary cancer-predisposing syndrome. Last evaluated: 2025-01-31. Review status: criteria provided, single submitter. Criteria: Ambry Variant Classification Scheme 2023. Collection method: clinical testing. Allele origin: germline.
Comment: The p.E393* variant (also known as c.1177G>T), located in coding exon 11 of the PMS2 gene, results from a G to T substitution at nucleotide position 1177. This changes the amino acid from a glutamic acid to a stop codon within coding exon 11. This variant is considered to be rare based on population cohorts in the Genome Aggregation Database (gnomAD). This alteration is expected to result in loss of function by premature protein truncation or nonsense-mediated mRNA decay. As such, this alteration is interpreted as a disease-causing mutation.

Labcorp Genetics (formerly Invitae), Labcorp
Classification: Pathogenic for Hereditary nonpolyposis colorectal neoplasms. Last evaluated: 2018-08-27. Review status: criteria provided, single submitter. Criteria: Invitae Variant Classification Sherloc (09022015). Collection method: clinical testing. Allele origin: germline.
Comment: This sequence change creates a premature translational stop signal (p.Glu393*) in the PMS2 gene. It is expected to result in an absent or disrupted protein product. This variant is not present in population databases (ExAC no frequency). This variant has not been reported in the literature in individuals with PMS2-related disease. Loss-of-function variants in PMS2 are known to be pathogenic (PMID: 21376568, 24362816). For these reasons, this variant has been classified as Pathogenic.

Literature cited by the submitters: PubMed 21376568 (cited by Labcorp Genetics (formerly Invitae), Labcorp); PubMed 24362816 (cited by Labcorp Genetics (formerly Invitae), Labcorp).

NM_000535.7(PMS2):c.1177G>T (p.Glu393Ter)

Gene: PMS2 (PMS1 homolog 2, mismatch repair system component; minus strand). Cytogenetic location: 7p22.1.
Variant type: single nucleotide variant.
Coding change: c.1177G>T on transcript NM_000535.7 (MANE Select); coding-DNA position 1177, G replaced by T.
Protein change: p.Glu393Ter; replaces glutamic acid 393 with a stop codon.
Molecular consequence: nonsense. On other transcripts: non-coding transcript variant (1).
Genome position (GRCh38, 1-based): chr7:5,987,588, C>A on the plus strand (G>T on the coding strand, the complement: PMS2 is on the minus strand). VCF-style: chr7-5987588-C-A. GRCh37 (hg19) VCF-style: chr7-6027219-C-A.
Other names: c.772G>T, p.Glu258Ter (NM_001322003.2, NM_001322004.2, NM_001322005.2 and 1 more transcripts); c.1021G>T, p.Glu341Ter (NM_001322006.2); c.859G>T, p.Glu287Ter (NM_001322007.2, NM_001322008.2); c.616G>T, p.Glu206Ter (NM_001322010.2); c.868G>T, p.Glu290Ter (NM_001322015.2); c.604G>T, p.Glu202Ter (NM_001322013.2); c.1177G>T, p.Glu393Ter (NM_001322014.2); c.244G>T, p.Glu82Ter (NM_001322011.2, NM_001322012.2); short protein forms E258*, E287*, E393*, E82*, E341*, E202*, E206*, E290*.
Identifiers: ClinVar variation 646128 (VCV000646128.7), dbSNP rs1243063129, ClinGen allele CA366742634.